The following is an entry in ClinVar:

ClinVar aggregate classification (germline): Conflicting classifications of pathogenicity. Review status: criteria provided, conflicting classifications (1 of 4 stars). 4 submissions from 4 submitters: Uncertain significance (1); Likely benign (3). Last evaluated 2026-01-19.

Conditions:
Giant axonal neuropathy 1 (GAN1). Also called: GIANT AXONAL NEUROPATHY 1, AUTOSOMAL RECESSIVE; GAN-Related Neurodegeneration. Identifiers: Orphanet 643, MedGen C1850386, MONDO:0009749, OMIM 256850.

Allele frequency attached by ClinVar (database versions not stated): gnomAD exomes 0.00013 and 0.00034; ExAC 0.00014; gnomAD 0.00019; TOPMed 0.00020; ESP Exome Variant Server 0.00054.
gnomAD v4.1: 510 of 1,526,030 alleles (0.033%); highest among the groups gnomAD compares: Non-Finnish European, 0.043%; no homozygotes.

Submissions (4):

Labcorp Genetics (formerly Invitae), Labcorp
Classification: Likely benign for Giant axonal neuropathy 1. Last evaluated: 2026-01-19. Review status: criteria provided, single submitter. Criteria: Invitae Variant Classification Sherloc (09022015). Collection method: clinical testing. Allele origin: germline.

Illumina Laboratory Services, Illumina
Classification: Uncertain significance for Giant axonal neuropathy 1. Last evaluated: 2018-01-13. Review status: criteria provided, single submitter. Criteria: ICSL Variant Classification Criteria 13 December 2019. Collection method: clinical testing. Allele origin: germline.

GeneDx
Classification: Likely benign. Last evaluated: 2017-03-13. Review status: criteria provided, single submitter. Criteria: GeneDx Variant Classification (06012015). Collection method: clinical testing. Allele origin: germline. Affected: yes.
Comment: This variant is considered likely benign or benign based on one or more of the following criteria: it is a conservative change, it occurs at a poorly conserved position in the protein, it is predicted to be benign by multiple in silico algorithms, and/or has population frequency not consistent with disease.

PreventionGenetics, part of Exact Sciences
Classification: Likely benign. Review status: criteria provided, single submitter. Criteria: ACMG Guidelines, 2015. Collection method: clinical testing. Allele origin: germline.

NM_022041.4(GAN):c.283-14T>C

Gene: GAN (gigaxonin; plus strand). Cytogenetic location: 16q23.2.
Variant type: single nucleotide variant.
Coding change: c.283-14T>C on transcript NM_022041.4 (MANE Select); 14 bases into the intron before coding-DNA position 283, T replaced by C.
Molecular consequence: intron variant.
Genome position (GRCh38, 1-based): chr16:81,354,391, T>C. VCF-style: chr16-81354391-T-C. GRCh37 (hg19) VCF-style: chr16-81387996-T-C.
Other names: c.-357-14T>C (NM_001377486.1).
Identifiers: ClinVar variation 261484 (VCV000261484.13), dbSNP rs369700456, ClinGen allele CA8191332.